The following is an entry in ClinVar:

ClinVar aggregate classification (germline): Uncertain significance. Review status: criteria provided, multiple submitters, no conflicts (2 of 4 stars). 2 submissions from 2 submitters: Uncertain significance (2). Last evaluated 2024-10-16.

Allele frequency attached by ClinVar (database versions not stated): TOPMed below 0.00001; gnomAD exomes 0.00001.
gnomAD v4.1: 8 of 1,577,770 alleles (0.00051%); highest among the groups gnomAD compares: Middle Eastern, 0.1%; no homozygotes.

Submissions (2):

Blueprint Genetics
Classification: Uncertain significance. Last evaluated: 2024-10-16. Review status: criteria provided, single submitter. Criteria: ACMG Guidelines, 2015. Collection method: clinical testing. Allele origin: germline.

Labcorp Genetics (formerly Invitae), Labcorp
Classification: Uncertain significance. Last evaluated: 2022-09-06. Review status: criteria provided, single submitter. Criteria: Invitae Variant Classification Sherloc (09022015). Collection method: clinical testing. Allele origin: germline.
Comment: In summary, the available evidence is currently insufficient to determine the role of this variant in disease. Therefore, it has been classified as a Variant of Uncertain Significance. This sequence change replaces serine, which is neutral and polar, with proline, which is neutral and non-polar, at codon 185 of the POC1B protein (p.Ser185Pro). This variant is present in population databases (no rsID available, gnomAD no frequency). This variant has not been reported in the literature in individuals affected with POC1B-related conditions. ClinVar contains an entry for this variant (Variation ID: 1357023). Advanced modeling of protein sequence and biophysical properties (such as structural, functional, and spatial information, amino acid conservation, physicochemical variation, residue mobility, and thermodynamic stability) performed at Invitae indicates that this missense variant is not expected to disrupt POC1B protein function.

NM_172240.3(POC1B):c.553T>C (p.Ser185Pro)

Genes: POC1B (POC1 centriolar protein B; minus strand), POC1B-DUSP6 (POC1B-DUSP6 readthrough; minus strand). Cytogenetic location: 12q21.33.
Variant type: single nucleotide variant.
Coding change: c.553T>C on transcript NM_172240.3 (MANE Select); coding-DNA position 553, T replaced by C.
Protein change: p.Ser185Pro; replaces serine 185 with proline.
Molecular consequence: missense variant. On other transcripts: non-coding transcript variant (2).
Genome position (GRCh38, 1-based): chr12:89,472,175, A>G on the plus strand (T>C on the coding strand, the complement: POC1B is on the minus strand). VCF-style: chr12-89472175-A-G. GRCh37 (hg19) VCF-style: chr12-89865952-A-G.
Other names: c.427T>C, p.Ser143Pro (NM_001199777.2); short protein forms S143P, S185P.
Identifiers: ClinVar variation 1357023 (VCV001357023.9), dbSNP rs986798731, ClinGen allele CA241202512.